The following is an entry in ClinVar:

NM_005465.7(AKT3):c.1178C>G (p.Pro393Arg)

Gene: AKT3 (AKT serine/threonine kinase 3; minus strand). Cytogenetic location: 1q44.
Variant type: single nucleotide variant.
Coding change: c.1178C>G on transcript NM_005465.7 (MANE Select); coding-DNA position 1178, C replaced by G.
Protein change: p.Pro393Arg; replaces proline 393 with arginine.
Molecular consequence: missense variant.
Genome position (GRCh38, 1-based): chr1:243,545,583, G>C on the plus strand (C>G on the coding strand, the complement: AKT3 is on the minus strand). VCF-style: chr1-243545583-G-C. GRCh37 (hg19) VCF-style: chr1-243708885-G-C.
Other names: c.1178C>G, p.Pro393Arg (NM_001206729.2, NM_001370074.1, NM_181690.2); short protein forms P393R.
Identifiers: ClinVar variation 4976537 (VCV004976537.1).

ClinVar aggregate classification (germline): Uncertain significance (1 of 4 stars; one submission).

gnomAD v4.1: 1 of 1,611,508 alleles (0.000062%); highest among the groups gnomAD compares: Admixed American, 0.0017%; no homozygotes.

Submission:

GeneDx
Classification: Uncertain significance. Last evaluated: 2026-02-10. Review status: criteria provided, single submitter. Criteria: GeneDx Variant Classification Process June 2021. Collection method: clinical testing. Allele origin: germline.
Comment: Not observed at significant frequency in large population cohorts (gnomAD); In silico analysis supports that this missense variant has a deleterious effect on protein structure/function; Has not been previously published as pathogenic or benign to our knowledge